The following is an entry in ClinVar:

NM_000053.4(ATP7B):c.2454G>A (p.Glu818=)

Gene: ATP7B (ATPase copper transporting beta; minus strand). Cytogenetic location: 13q14.3.
Variant type: single nucleotide variant.
Coding change: c.2454G>A on transcript NM_000053.4 (MANE Select); coding-DNA position 2454, G replaced by A.
Protein change: p.Glu818=; no amino-acid change (glutamic acid 818 retained).
Molecular consequence: synonymous variant. On other transcripts: intron variant (1).
Genome position (GRCh38, 1-based): chr13:51,950,393, C>T on the plus strand (G>A on the coding strand, the complement: ATP7B is on the minus strand). VCF-style: chr13-51950393-C-T. GRCh37 (hg19) VCF-style: chr13-52524529-C-T.
Other names: c.2220G>A, p.Glu740= (NM_001330578.2, NM_001406527.1, NM_001406528.1 and 2 more transcripts); c.2202G>A, p.Glu734= (NM_001330579.2, NM_001406531.1, NM_001406532.1 and 1 more transcripts); c.2421G>A, p.Glu807= (NM_001406514.1); c.2454G>A, p.Glu818= (NM_001406515.1, NM_001406519.1, NM_001406511.1 and 7 more transcripts); c.2358G>A, p.Glu786= (NM_001406518.1, NM_001406517.1); c.2310G>A, p.Glu770= (NM_001406520.1, NM_001406521.1, NM_001406522.1 and 1 more transcripts); c.1968G>A, p.Glu656= (NM_001005918.3, NM_001406541.1, NM_001406542.1 and 1 more transcripts); c.2121G>A, p.Glu707= (NM_001243182.2); and 8 more.
Identifiers: ClinVar variation 2152660 (VCV002152660.5), dbSNP rs2547674584, ClinGen allele CA483895804.

ClinVar aggregate classification (germline): Likely benign. Review status: criteria provided, multiple submitters, no conflicts (2 of 4 stars). 3 submissions from 3 submitters: Likely benign (3). Last evaluated 2024-07-01.

Conditions:
Wilson disease (WND). Also called: Wilson's disease. Identifiers: Orphanet 905, MedGen C0019202, MONDO:0010200, OMIM 277900. Disease mechanism: loss of function.

Allele frequency attached by ClinVar (database versions not stated): gnomAD exomes below 0.00001.
gnomAD v4.1: 2 of 1,614,034 alleles (0.00012%); highest among the groups gnomAD compares: African/African-American, 0.0013%; no homozygotes.

Submissions (3):

Labcorp Genetics (formerly Invitae), Labcorp
Classification: Likely benign for Wilson disease. Last evaluated: 2024-07-01. Review status: criteria provided, single submitter. Criteria: Invitae Variant Classification Sherloc (09022015). Collection method: clinical testing. Allele origin: germline.

All of Us Research Program, National Institutes of Health
Classification: Likely benign for Wilson disease. Last evaluated: 2024-04-16. Review status: criteria provided, single submitter. Criteria: ACMG Guidelines, 2015. Collection method: clinical testing. Allele origin: germline. Inheritance: Autosomal recessive inheritance. Observed: 1 variant allele, 1 heterozygote.
Comment: This study involves interpretation of variants in research participants for the purpose of population health screening. Participant phenotype was not available at the time of variant classification. Additional details can be found in publication PMID: 35346344, PMCID: PMC8962531

Color Diagnostics, LLC DBA Color Health
Classification: Likely benign for Wilson disease. Last evaluated: 2024-03-19. Review status: criteria provided, single submitter. Criteria: ACMG Guidelines, 2015. Collection method: clinical testing. Allele origin: germline.